The following is an entry in ClinVar:

ClinVar aggregate classification (germline): Conflicting classifications of pathogenicity. Review status: criteria provided, conflicting classifications (1 of 4 stars). 2 submissions from 2 submitters: Pathogenic (1); Uncertain significance (1). Last evaluated 2025-01-23.

Conditions:
Progressive familial intrahepatic cholestasis type 2. Identifiers: Orphanet 79304, MedGen C3489789, MONDO:0011156, OMIM 601847.

Submissions (2):

Broad Center for Mendelian Genomics, Broad Institute of MIT and Harvard
Classification: Uncertain significance for Progressive familial intrahepatic cholestasis type 2. Last evaluated: 2025-01-23. Review status: criteria provided, single submitter. Criteria: ACMG Guidelines, 2015. Collection method: curation. Allele origin: germline. Inheritance: Autosomal recessive inheritance.
Comment: The p.Lys1050AsnfsTer27 variant in ABCB11 has not been previously reported in the literature in individuals with BSEP deficiency, but has been identified in 0.002% (1/60326) of remaining chromosomes by the Genome Aggregation Database (gnomAD). Although this variant has been seen in the general population in a heterozygous state, its frequency is low enough to be consistent with a recessive carrier frequency. It is of note that this variant occurs in a homopolymer repeat, which could indicate that it exists as an artifact from sequencing. However, disease-causing variants have been reported in homopolymer regions, so this is not enough to rule out a pathogenic role. This variant has also been reported in ClinVar (Variation ID: 1455697) and has been interpreted as pathogenic by Invitae. This variant is predicted to cause a frameshift, which alters the protein‚Äôs amino acid sequence beginning at position 1070 and leads to a premature termination codon 27 amino acids downstream. This alteration is then predicted to lead to a truncated or absent protein. Loss of function of the ABCB11 gene is an established disease mechanism in autosomal recessive BSEP deficiency. In summary, while there is some suspicion for a pathogenic role, the clinical significance of this variant is uncertain. ACMG/AMP Criteria applied: PVS1, PM2_supporting (Richards 2015).

Labcorp Genetics (formerly Invitae), Labcorp
Classification: Pathogenic. Last evaluated: 2021-11-15. Review status: criteria provided, single submitter. Criteria: Invitae Variant Classification Sherloc (09022015). Collection method: clinical testing. Allele origin: germline.
Comment: For these reasons, this variant has been classified as Pathogenic. This variant has not been reported in the literature in individuals affected with ABCB11-related conditions. This variant is not present in population databases (gnomAD no frequency). This sequence change creates a premature translational stop signal (p.Lys1070Asnfs*27) in the ABCB11 gene. It is expected to result in an absent or disrupted protein product. Loss-of-function variants in ABCB11 are known to be pathogenic (PMID: 18395098, 20232290).

Literature cited by the submitters: PubMed 18395098 (cited by Labcorp Genetics (formerly Invitae), Labcorp); PubMed 20232290 (cited by Labcorp Genetics (formerly Invitae), Labcorp).

NM_003742.4(ABCB11):c.3210del (p.Lys1070fs)

Gene: ABCB11 (ATP binding cassette subfamily B member 11; minus strand). Cytogenetic location: 2q31.1.
Variant type: Deletion.
Coding change: c.3210del on transcript NM_003742.4 (MANE Select); coding-DNA position 3210, one base deleted (A; older notation c.3210delA).
Protein change: p.Lys1070fs; shifts the reading frame from lysine 1070.
Molecular consequence: frameshift variant.
Genome position (GRCh38, 1-based): chr2:168,932,380, T deleted on the plus strand (A on the coding strand, the reverse complement: ABCB11 is on the minus strand); the first of 5 consecutive T bases (chr2:168,932,380-168,932,384); deleting any one gives the same sequence. VCF-style (leftmost placement, unchanged base first): chr2-168932379-AT-A. GRCh37 (hg19) VCF-style: chr2-169788889-AT-A.
Other names: NM_003742.4(ABCB11):c.3210del; p.Lys1070fs; short protein forms K1070fs.
Identifiers: ClinVar variation 1455697 (VCV001455697.7), dbSNP rs2105891209, ClinGen allele CA2573133565.